The following is an entry in ClinVar:

NM_002894.3(RBBP8):c.1621_1625dup (p.Asn542fs)

Gene: RBBP8 (RB binding protein 8, endonuclease; plus strand). Cytogenetic location: 18q11.2.
Variant type: Duplication.
Coding change: c.1621_1625dup on transcript NM_002894.3 (MANE Select); coding-DNA positions 1621 to 1625, 5 bases duplicated (GGCAA; older notation c.1621_1625dupGGCAA).
Protein change: p.Asn542fs; shifts the reading frame from asparagine 542.
Molecular consequence: frameshift variant.
Genome position (GRCh38, 1-based): chr18:22,993,448-22,993,452, GGCAA duplicated. VCF-style (leftmost placement, unchanged base first): chr18-22993447-T-TGGCAA. GRCh37 (hg19) VCF-style: chr18-20573410-T-TGGCAA.
Other names: c.1621_1625dup, p.Asn542fs (NM_203291.2, NM_203292.2); short protein forms N542fs.
Identifiers: ClinVar variation 3764625 (VCV003764625.1).

ClinVar aggregate classification (germline): Likely pathogenic (1 of 4 stars; one submission).

Conditions:
RBBP8-related disorder. Also called: RBBP8-Related Disorders; RBBP8-related condition. Identifiers: MedGen CN239300.

Submission:

Daryl Scott Lab, Baylor College of Medicine
Classification: Likely pathogenic for RBBP8-related disorder. Last evaluated: 2024-01-01. Review status: criteria provided, single submitter. Criteria: ACMG Guidelines, 2015. Collection method: clinical testing. Allele origin: paternal. Observed: 1 heterozygote.
Comment: PVS1, PM2, PP3